The following is an entry in ClinVar:

NM_003388.5(CLIP2):c.2238G>T (p.Ala746=)

Gene: CLIP2 (CAP-Gly domain containing linker protein 2; plus strand). Cytogenetic location: 7q11.23.
Variant type: single nucleotide variant.
Coding change: c.2238G>T on transcript NM_003388.5 (MANE Select); coding-DNA position 2238, G replaced by T.
Protein change: p.Ala746=; no amino-acid change (alanine 746 retained).
Molecular consequence: synonymous variant.
Genome position (GRCh38, 1-based): chr7:74,376,639, G>T. VCF-style: chr7-74376639-G-T. GRCh37 (hg19) VCF-style: chr7-73790969-G-T.
Other names: c.2133G>T, p.Ala711= (NM_032421.3).
Identifiers: ClinVar variation 2657591 (VCV002657591.24), dbSNP rs146488093, ClinGen allele CA4295961.

ClinVar aggregate classification (germline): Likely benign (1 of 4 stars; one submission).

gnomAD v4.1: 10 of 1,613,464 alleles (0.00062%); highest among the groups gnomAD compares: African/African-American, 0.0013%; no homozygotes.

Submission:

CeGaT Center for Human Genetics Tuebingen
Classification: Likely benign. Last evaluated: 2023-06-01. Review status: criteria provided, single submitter. Criteria: CeGaT Center For Human Genetics Tuebingen Variant Classification Criteria Version 2. Collection method: clinical testing. Allele origin: germline. Affected: yes. Observed: 1 variant allele.
Comment: CLIP2: BP4, BP7